The following is an entry in ClinVar:

NM_002471.4(MYH6):c.2199T>C (p.Pro733=)

Gene: MYH6 (myosin heavy chain 6; minus strand). Cytogenetic location: 14q11.2.
Variant type: single nucleotide variant.
Coding change: c.2199T>C on transcript NM_002471.4 (MANE Select); coding-DNA position 2199, T replaced by C.
Protein change: p.Pro733=; no amino-acid change (proline 733 retained).
Molecular consequence: synonymous variant.
Genome position (GRCh38, 1-based): chr14:23,396,787, A>G on the plus strand (T>C on the coding strand, the complement: MYH6 is on the minus strand). VCF-style: chr14-23396787-A-G. GRCh37 (hg19) VCF-style: chr14-23865996-A-G.
Identifiers: ClinVar variation 180017 (VCV000180017.6), dbSNP rs727505290, ClinGen allele CA185642.

ClinVar aggregate classification (germline): Likely benign. Review status: criteria provided, multiple submitters, no conflicts (2 of 4 stars). 2 submissions from 2 submitters: Likely benign (2). Last evaluated 2020-05-05.

Conditions:
Cardiovascular phenotype. Identifiers: MedGen CN230736.

Allele frequency attached by ClinVar (database versions not stated): gnomAD exomes 0.00001; TOPMed 0.00001; gnomAD 0.00002.
gnomAD v4.1: 24 of 1,613,862 alleles (0.0015%); highest among the groups gnomAD compares: Non-Finnish European, 0.002%; no homozygotes.

Submissions (2):

Ambry Genetics
Classification: Likely benign for Cardiovascular phenotype. Last evaluated: 2020-05-05. Review status: criteria provided, single submitter. Criteria: Ambry Variant Classification Scheme 2023. Collection method: clinical testing. Allele origin: germline.

Laboratory for Molecular Medicine, Mass General Brigham Personalized Medicine
Classification: Likely benign. Last evaluated: 2014-09-19. Review status: criteria provided, single submitter. Criteria: LMM Criteria. Collection method: clinical testing. Allele origin: germline. Observed: 1 variant allele.
Comment: Pro733Pro in exon 19 of MYH6: This variant is not expected to have clinical sign ificance because it does not alter an amino acid residue and is not located with in the splice consensus sequence.